The following is an entry in ClinVar:

ClinVar aggregate classification (germline): Uncertain significance (1 of 4 stars; one submission).

Allele frequency attached by ClinVar (database versions not stated): gnomAD exomes below 0.00001; gnomAD 0.00001; TOPMed 0.00001.
gnomAD v4.1: 3 of 1,612,546 alleles (0.00019%); highest among the groups gnomAD compares: African/African-American, 0.004%; no homozygotes.

Submission:

Ambry Genetics
Classification: Uncertain significance. Last evaluated: 2022-04-19. Review status: criteria provided, single submitter. Criteria: Ambry Variant Classification Scheme 2023. Collection method: clinical testing. Allele origin: germline.
Comment: The p.E163D variant (also known as c.489A>C), located in coding exon 4 of the POLQ gene, results from an A to C substitution at nucleotide position 489. The glutamic acid at codon 163 is replaced by aspartic acid, an amino acid with highly similar properties. This amino acid position is conserved. In addition, this alteration is predicted to be tolerated by in silico analysis. Since supporting evidence is limited at this time, the clinical significance of this alteration remains unclear.

NM_199420.4(POLQ):c.489A>C (p.Glu163Asp)

Gene: POLQ (DNA polymerase theta; minus strand). Cytogenetic location: 3q13.33.
Variant type: single nucleotide variant.
Coding change: c.489A>C on transcript NM_199420.4 (MANE Select); coding-DNA position 489, A replaced by C.
Protein change: p.Glu163Asp; replaces glutamic acid 163 with aspartic acid.
Molecular consequence: missense variant.
Genome position (GRCh38, 1-based): chr3:121,539,575, T>G on the plus strand (A>C on the coding strand, the complement: POLQ is on the minus strand). VCF-style: chr3-121539575-T-G. GRCh37 (hg19) VCF-style: chr3-121258422-T-G.
Other names: short protein forms E163D.
Identifiers: ClinVar variation 1743892 (VCV001743892.3), dbSNP rs1306226624, ClinGen allele CA354091483.
Genomic context (GRCh38, chr3:121,539,575, plus strand): 5'-TGAAGAGAAATGCCTTGATGGAGAGGTGCTGCCCATATAACCGTCTACTTTTATTCCTAC[T>G]TCCTGAAACAGACTCTGAATTGAGTAAAAAGGAACAATACAGGTGAAAAAACTTGAAATT-3'
Protein context (NP_955452.3, residues 153-173): KKYYLQSLFQ[Glu163Asp]VGIKVDGYMG